The following is an entry in ClinVar:

NM_001231.5(CASQ1):c.1069G>T (p.Val357Leu)

Gene: CASQ1 (calsequestrin 1; plus strand). Cytogenetic location: 1q23.2.
Variant type: single nucleotide variant.
Coding change: c.1069G>T on transcript NM_001231.5 (MANE Select); coding-DNA position 1069, G replaced by T.
Protein change: p.Val357Leu; replaces valine 357 with leucine.
Molecular consequence: missense variant.
Genome position (GRCh38, 1-based): chr1:160,201,254, G>T. VCF-style: chr1-160201254-G-T. GRCh37 (hg19) VCF-style: chr1-160171044-G-T.
Other names: short protein forms V357L.
Identifiers: ClinVar variation 1722170 (VCV001722170.5), dbSNP rs760147718, ClinGen allele CA343263564.

ClinVar aggregate classification (germline): Uncertain significance (1 of 4 stars; one submission).

Submission:

Labcorp Genetics (formerly Invitae), Labcorp
Classification: Uncertain significance. Last evaluated: 2022-07-21. Review status: criteria provided, single submitter. Criteria: Invitae Variant Classification Sherloc (09022015). Collection method: clinical testing. Allele origin: germline.
Comment: In summary, the available evidence is currently insufficient to determine the role of this variant in disease. Therefore, it has been classified as a Variant of Uncertain Significance. Algorithms developed to predict the effect of missense changes on protein structure and function (SIFT, PolyPhen-2, Align-GVGD) all suggest that this variant is likely to be tolerated. This variant has not been reported in the literature in individuals affected with CASQ1-related conditions. The frequency data for this variant in the population databases is considered unreliable, as metrics indicate poor data quality at this position in the gnomAD database. This sequence change replaces valine, which is neutral and non-polar, with leucine, which is neutral and non-polar, at codon 357 of the CASQ1 protein (p.Val357Leu).